The following is an entry in ClinVar:

NM_182961.4(SYNE1):c.16849C>T (p.Arg5617Ter)

Genes: SYNE1 (spectrin repeat containing nuclear envelope protein 1; minus strand), LOC126859837 (BRD4-independent group 4 enhancer GRCh37_chr6:152630775-152631974; plus strand). Cytogenetic location: 6q25.2.
Variant type: single nucleotide variant.
Coding change: c.16849C>T on transcript NM_182961.4 (MANE Select); coding-DNA position 16849, C replaced by T.
Protein change: p.Arg5617Ter; replaces arginine 5617 with a stop codon.
Molecular consequence: nonsense.
Genome position (GRCh38, 1-based): chr6:152,310,735, G>A on the plus strand (C>T on the coding strand, the complement: SYNE1 is on the minus strand). VCF-style: chr6-152310735-G-A. GRCh37 (hg19) VCF-style: chr6-152631870-G-A.
Other names: c.16636C>T (NM_033071.3); c.16636C>T, p.Arg5546Ter (NM_033071.5); short protein forms R5546*, R5617*.
Identifiers: ClinVar variation 1698822 (VCV001698822.5), dbSNP rs758379604, ClinGen allele CA4055420.

ClinVar aggregate classification (germline): Likely pathogenic. Review status: criteria provided, multiple submitters, no conflicts (2 of 4 stars). 3 submissions from 3 submitters: Likely pathogenic (2). 1 of the submissions does not count toward it. Last evaluated 2025-02-04.

Conditions:
SYNE1-related disorder. Also called: SYNE1-related disorders; SYNE1-related disease; SYNE1-related condition.
Autosomal recessive ataxia, Beauce type. Also called: ATAXIA, RECESSIVE, OF BEAUCE; Spinocerebellar ataxia, autosomal recessive 8; SYNE1 Deficiency; SYNE1-Related Autosomal Recessive Cerebellar Ataxia. Identifiers: Orphanet 88644, MedGen C1853116, MONDO:0012549, OMIM 610743.

Allele frequency attached by ClinVar (database versions not stated): gnomAD exomes below 0.00001; TOPMed below 0.00001; ExAC 0.00001.
gnomAD v4.1: 6 of 1,612,960 alleles (0.00037%); highest among the groups gnomAD compares: African/African-American, 0.0013%; no homozygotes.

Submissions (3):

Revvity Omics, Revvity
Classification: Likely pathogenic. Last evaluated: 2025-02-04. Review status: criteria provided, single submitter. Criteria: ACMG Guidelines, 2015. Collection method: clinical testing. Allele origin: germline.

Genetics and Molecular Pathology, SA Pathology
Classification: Likely pathogenic for Autosomal recessive ataxia, Beauce type. Last evaluated: 2022-03-25. Review status: criteria provided, single submitter. Criteria: ACMG Guidelines, 2015. Collection method: clinical testing. Allele origin: germline. Inheritance: Autosomal recessive inheritance. Affected: yes.
Comment: The SYNE1 c.16849C>T variant is classified as a LIKELY PATHOGENIC (PVS1, PM2) This is a single nucleotide change in exon 89/146 of the SYNE1 gene, which is predicted to result in premature termination of the protein product at codon 5617, causing loss of normal protein function through nonsense-mediated mRNA decay (PVS1). The variant has been reported dbSNP (rs758379604) but is rare in population databases (gnomAD 1/251410, 0 homozygote) (PM2). The variant has not been reported in the ClinVar or HGMD disease databases.

PreventionGenetics, part of Exact Sciences
Classification: Likely pathogenic for SYNE1-related condition. Last evaluated: 2023-10-24. Review status: no assertion criteria provided. Collection method: clinical testing. Allele origin: germline. Not counted in ClinVar's aggregate classification.
Comment: The SYNE1 c.16636C>T variant is predicted to result in premature protein termination (p.Arg5546*). To our knowledge, this variant has not been reported in the literature. This variant is reported in 0.00088% of alleles in individuals of European (Non-Finnish) descent in gnomAD. Nonsense variants in SYNE1 are expected to be pathogenic. This variant is interpreted as likely pathogenic.